The following is an entry in ClinVar:

ClinVar aggregate classification (germline): Conflicting classifications of pathogenicity. Review status: criteria provided, conflicting classifications (1 of 4 stars). 4 submissions from 4 submitters: Likely pathogenic (1); Uncertain significance (3). Last evaluated 2024-11-27.

Conditions:
Benign neonatal seizures. Also called: Benign familial neonatal seizures; Benign neonatal familial convulsions; Benign familial neonatal epilepsy; Convulsions benign familial neonatal dominant form; Autosomal dominant form of benign neonatal seizures. Identifiers: Orphanet 1949, MedGen C0220669, MONDO:0016027.
Seizures, benign familial neonatal, 2. Also called: KCNQ3-Related Self-Limited Familial Neonatal Epilepsy (SLFNE); CONVULSIONS, BENIGN FAMILIAL NEONATAL, 2; Benign Neonatal Epilepsy 2; KCNQ3-Related Benign Familial Neonatal Epilepsy; Seizures, benign neonatal, 2. Identifiers: Orphanet 1949, MedGen C1852581, MONDO:0007366, OMIM 121201.

Allele frequency attached by ClinVar (database versions not stated): gnomAD exomes below 0.00001.
gnomAD v4.1: 1 of 1,552,318 alleles (0.000064%); highest among the groups gnomAD compares: Non-Finnish European, 0.000087%; no homozygotes.

Submissions (4):

Institute of Human Genetics, University of Leipzig Medical Center
Classification: Likely pathogenic for Seizures, benign familial neonatal, 2. Last evaluated: 2024-11-27. Review status: criteria provided, single submitter. Criteria: ACMG Guidelines, 2015. Collection method: clinical testing. Allele origin: unknown. Inheritance: Autosomal dominant inheritance. Affected: yes.
Comment: Criteria applied: PM1,PM2,PP3,PP4

Labcorp Genetics (formerly Invitae), Labcorp
Classification: Uncertain significance for Benign neonatal seizures. Last evaluated: 2023-11-03. Review status: criteria provided, single submitter. Criteria: Invitae Variant Classification Sherloc (09022015). Collection method: clinical testing. Allele origin: germline.
Comment: This sequence change replaces threonine, which is neutral and polar, with methionine, which is neutral and non-polar, at codon 326 of the KCNQ3 protein (p.Thr326Met). This variant is not present in population databases (gnomAD no frequency). This variant has not been reported in the literature in individuals affected with KCNQ3-related conditions. ClinVar contains an entry for this variant (Variation ID: 1686662). Advanced modeling of protein sequence and biophysical properties (such as structural, functional, and spatial information, amino acid conservation, physicochemical variation, residue mobility, and thermodynamic stability) performed at Invitae indicates that this missense variant is expected to disrupt KCNQ3 protein function with a positive predictive value of 80%. In summary, the available evidence is currently insufficient to determine the role of this variant in disease. Therefore, it has been classified as a Variant of Uncertain Significance.

GeneDx
Classification: Uncertain significance. Last evaluated: 2022-05-17. Review status: criteria provided, single submitter. Criteria: GeneDx Variant Classification Process June 2021. Collection method: clinical testing. Allele origin: germline. Affected: yes.
Comment: Not observed at significant frequency in large population cohorts (gnomAD); In silico analysis supports that this missense variant has a deleterious effect on protein structure/function; Has not been previously published as pathogenic or benign to our knowledge

Blueprint Genetics
Classification: Uncertain significance. Last evaluated: 2021-05-28. Review status: criteria provided, single submitter. Criteria: ACMG Guidelines, 2015. Collection method: clinical testing. Allele origin: germline.

NM_004519.4(KCNQ3):c.977C>T (p.Thr326Met)

Gene: KCNQ3 (potassium voltage-gated channel subfamily Q member 3; minus strand). Cytogenetic location: 8q24.22.
Variant type: single nucleotide variant.
Coding change: c.977C>T on transcript NM_004519.4 (MANE Select); coding-DNA position 977, C replaced by T.
Protein change: p.Thr326Met; replaces threonine 326 with methionine.
Molecular consequence: missense variant.
Genome position (GRCh38, 1-based): chr8:132,174,306, G>A on the plus strand (C>T on the coding strand, the complement: KCNQ3 is on the minus strand). VCF-style: chr8-132174306-G-A. GRCh37 (hg19) VCF-style: chr8-133186553-G-A.
Other names: c.617C>T, p.Thr206Met (NM_001204824.2); short protein forms T206M, T326M.
Identifiers: ClinVar variation 1686662 (VCV001686662.8), dbSNP rs1326172406, ClinGen allele CA372290183.